The following is an entry in ClinVar:

NM_000019.4(ACAT1):c.578T>G (p.Met193Arg)

Gene: ACAT1 (acetyl-CoA acetyltransferase 1; plus strand). Cytogenetic location: 11q22.3.
Variant type: single nucleotide variant.
Coding change: c.578T>G on transcript NM_000019.4 (MANE Select); coding-DNA position 578, T replaced by G.
Protein change: p.Met193Arg; replaces methionine 193 with arginine.
Molecular consequence: missense variant.
Genome position (GRCh38, 1-based): chr11:108,139,040, T>G. VCF-style: chr11-108139040-T-G. GRCh37 (hg19) VCF-style: chr11-108009767-T-G.
Other names: short protein forms M193R.
Identifiers: ClinVar variation 666490 (VCV000666490.21), dbSNP rs541517496, ClinGen allele CA6263156.
Genomic context (GRCh38, chr11:108,139,040, plus strand): 5'-TAAAGCTTGAAGATTTGATTGTAAAAGACGGGCTAACTGATGTCTACAATAAAATTCATA[T>G]GGTAAATGTGATTTTTAGTGGATAAATGCTATCTAATGTCCAATACTGTTTGATTTTTCT-3'
Protein context (NP_000010.1, residues 183-203): GLTDVYNKIH[Met193Arg]GSCAENTAKK

ClinVar aggregate classification (germline): Pathogenic/Likely pathogenic. Review status: criteria provided, multiple submitters, no conflicts (2 of 4 stars). 7 submissions from 7 submitters: Pathogenic (5); Likely pathogenic (2). Last evaluated 2025-07-16.

Conditions:
Deficiency of acetyl-CoA acetyltransferase. Also called: MITOCHONDRIAL ACETOACETYL-CoA THIOLASE DEFICIENCY; Beta-ketothiolase deficiency; 3-KETOTHIOLASE DEFICIENCY; 3-OXOTHIOLASE DEFICIENCY. Identifiers: Orphanet 134, MedGen C1536500, MONDO:0008760, OMIM 203750. Disease mechanism: loss of function.

Allele frequency attached by ClinVar (database versions not stated): gnomAD 0.00001; ExAC 0.00002; 1000 Genomes Project 30x 0.00016; 1000 Genomes Project 0.00020.

Submissions (7):

Natera, Inc.
Classification: Likely pathogenic for Alpha-methylacetoacetic aciduria. Last evaluated: 2025-07-16. Review status: criteria provided, single submitter. Criteria: Natera Variant Classification Schema (03/2026). Collection method: clinical testing. Allele origin: germline.
Comment: The c.578T>G variant in ACAT1 is a missense variant predicted to cause substitution of methionine to arginine at amino acid 193. This variant is rare in the general population with a frequency below the threshold expected for the associated phenotype(s). This variant has been observed in one or more individuals affected with the associated recessive disease, as either homozygous or compound heterozygous with a second variant (PMID: 27928777, 21483992). Functional studies show that this variant may disrupt protein function (PMID: 27928777). Computational prediction algorithms indicate this variant is likely to affect gene or protein function. Given the available evidence, this variant is classified as Likely Pathogenic.

Labcorp Genetics (formerly Invitae), Labcorp
Classification: Pathogenic for Deficiency of acetyl-CoA acetyltransferase. Last evaluated: 2025-02-17. Review status: criteria provided, single submitter. Criteria: Invitae Variant Classification Sherloc (09022015). Collection method: clinical testing. Allele origin: germline.
Comment: This sequence change replaces methionine, which is neutral and non-polar, with arginine, which is basic and polar, at codon 193 of the ACAT1 protein (p.Met193Arg). This variant is present in population databases (rs541517496, gnomAD 0.01%). This missense change has been observed in individual(s) with beta-ketothiolase deficiency (PMID: 23958592, 27928777). ClinVar contains an entry for this variant (Variation ID: 666490). Invitae Evidence Modeling of protein sequence and biophysical properties (such as structural, functional, and spatial information, amino acid conservation, physicochemical variation, residue mobility, and thermodynamic stability) indicates that this missense variant is expected to disrupt ACAT1 protein function with a positive predictive value of 95%. Experimental studies have shown that this missense change affects ACAT1 function (PMID: 27928777). For these reasons, this variant has been classified as Pathogenic.

Fulgent Genetics
Classification: Pathogenic for Deficiency of acetyl-CoA acetyltransferase. Last evaluated: 2024-06-20. Review status: criteria provided, single submitter. Criteria: ACMG Guidelines, 2015. Collection method: clinical testing. Allele origin: germline.

Revvity Omics, Revvity
Classification: Pathogenic for Deficiency of acetyl-CoA acetyltransferase. Last evaluated: 2024-02-29. Review status: criteria provided, single submitter. Criteria: ACMG Guidelines, 2015. Collection method: clinical testing. Allele origin: germline.

Neuberg Centre For Genomic Medicine, NCGM
Classification: Pathogenic for Deficiency of acetyl-CoA acetyltransferase. Last evaluated: 2024-02-01. Review status: criteria provided, single submitter. Criteria: ACMG Guidelines, 2015. Collection method: clinical testing. Allele origin: germline. Inheritance: Autosomal recessive inheritance. Affected: yes.
Comment: Experimental studies have shown that this missense change affects ACAT1 function (PMID: 27928777). An algorithm developed to predict the effect of missense changes on protein structure and function (PolyPhen-2) suggests that this variant is likely to be disruptive. ClinVar contains an entry for this variant (Variation ID: 666490). This missense change has been observed in individual(s) with beta-ketothiolase deficiency (PMID: 23958592, 27928777). This variant is present in population databases (rs541517496, gnomAD 0.001%). This sequence change replaces methionine, which is neutral and non-polar, with arginine, which is basic and polar, at codon 193 of the ACAT1 protein (p.Met193Arg). For these reasons, this variant has been classified as Pathogenic. This variant is present in both the couple.

Department of Pediatrics, Gifu University
Classification: Likely pathogenic for Deficiency of acetyl-CoA acetyltransferase. Last evaluated: 2019-05-05. Review status: criteria provided, single submitter. Criteria: ACMG Guidelines, 2015. Collection method: research. Allele origin: germline. Affected: yes. Observed: 8 variant alleles. Clinical features observed: Ketoacidosis.

Lifecell International Pvt. Ltd
Classification: Pathogenic for Deficiency of acetyl-CoA acetyltransferase. Review status: criteria provided, single submitter. Criteria: ACMG Guidelines, 2015. Collection method: clinical testing. Allele origin: germline. Inheritance: Autosomal recessive inheritance. Affected: yes. Observed: 1 homozygote.
Comment: A Homozygote Missense variant c.578T>G in Exon 6 of the ACAT1 gene that results in the amino acid substitution p.Met193Arg was identified. The observed variant has a minor allele frequency of 0.00001% in gnomAD exomes and genomes, respectively. The severity of the impact of this variant on the protein is high, based on the effect of the protein and REVEL score . Rare Exome Variant Ensemble Learner (REVEL) is an ensembl method for predicting the pathogenicity of missense variants based on a combination of scores from 13 individual tools: MutPred, FATHMM v2.3, VEST 3.0, PolyPhen-2, SIFT, PROVEAN, MutationAssessor, MutationTaster, LRT, GERP++, SiPhy, phyloP, and phastCons. The REVEL score for an individual missense variant can range from 0 to 1, with higher scores reflecting greater likelihood that the variant is disease-causing. ClinVar has also classified this variant as Pathogenic/ LikelyPathogenic(Variant ID 666490). Experimental studies have shown that this missense change affects ACAT1 function (Abdelkreen et al., 2017).This missense change has been observed in individual(s) with beta-ketothiolase deficiency (Abdelkeem et al., 2019). Based on the above evidence this variant has been classified as Pathogenic according to the ACMG guidelines.

Literature cited by the submitters: PubMed 27928777 (cited by 4 submitters); PubMed 21483992 (cited by Natera, Inc.); PubMed 23958592 (cited by Labcorp Genetics (formerly Invitae), Labcorp); PubMed 31268215 (cited by Department of Pediatrics, Gifu University and Lifecell International Pvt. Ltd).